The following is an entry in ClinVar:

ClinVar aggregate classification (germline): Likely benign (0 of 4 stars; one submission).

Conditions:
LRBA-related disorder. Also called: LRBA-related condition.

Allele frequency attached by ClinVar (database versions not stated): TOPMed below 0.00001; ExAC 0.00001; gnomAD 0.00001.
gnomAD v4.1: 4 of 1,613,702 alleles (0.00025%); highest among the groups gnomAD compares: Admixed American, 0.0017%; no homozygotes.

Submission:

PreventionGenetics, part of Exact Sciences
Classification: Likely benign for LRBA-related condition. Last evaluated: 2024-01-11. Review status: no assertion criteria provided. Collection method: clinical testing. Allele origin: germline.
Comment: This variant is classified as likely benign based on ACMG/AMP sequence variant interpretation guidelines (Richards et al. 2015 PMID: 25741868, with internal and published modifications).

NM_001364905.1(LRBA):c.843A>G (p.Ser281=)

Gene: LRBA (LPS responsive beige-like anchor protein; minus strand). Cytogenetic location: 4q31.3.
Variant type: single nucleotide variant.
Coding change: c.843A>G on transcript NM_001364905.1 (MANE Select); coding-DNA position 843, A replaced by G.
Protein change: p.Ser281=; no amino-acid change (serine 281 retained).
Molecular consequence: synonymous variant.
Genome position (GRCh38, 1-based): chr4:150,916,452, T>C on the plus strand (A>G on the coding strand, the complement: LRBA is on the minus strand). VCF-style: chr4-150916452-T-C. GRCh37 (hg19) VCF-style: chr4-151837604-T-C.
Other names: c.843A>G, p.Ser281= (NM_006726.5, NM_001199282.3, NM_001367550.1).
Identifiers: ClinVar variation 3054635 (VCV003054635.2), dbSNP rs770104721, ClinGen allele CA3103755.